The following is an entry in ClinVar:

ClinVar aggregate classification (germline): Uncertain significance (1 of 4 stars; one submission).

Submission:

CeGaT Center for Human Genetics Tuebingen
Classification: Uncertain significance. Last evaluated: 2024-11-01. Review status: criteria provided, single submitter. Criteria: CeGaT Center For Human Genetics Tuebingen Variant Classification Criteria Version 2. Collection method: clinical testing. Allele origin: germline. Affected: yes. Observed: 1 variant allele.
Comment: NANS: PM2, PM4

NM_018946.4(NANS):c.1069dup (p.Ile357fs)

Genes: NANS (N-acetylneuraminate synthase; plus strand), TRIM14 (tripartite motif containing 14; minus strand). Cytogenetic location: 9q22.33.
Variant type: Duplication.
Coding change: c.1069dup on transcript NM_018946.4 (MANE Select); coding-DNA position 1069, one base duplicated (A; older notation c.1069dupA).
Protein change: p.Ile357fs; shifts the reading frame from isoleucine 357.
Molecular consequence: frameshift variant.
Genome position (GRCh38, 1-based): chr9:98,083,044, A duplicated; the last of 7 consecutive A bases (chr9:98,083,038-98,083,044); duplicating any one gives the same sequence. VCF-style (leftmost placement, unchanged base first): chr9-98083037-C-CA. GRCh37 (hg19) VCF-style: chr9-100845319-C-CA.
Other names: short protein forms I357fs.
Identifiers: ClinVar variation 3388454 (VCV003388454.14).